The following is an entry in ClinVar:

NM_004629.2(FANCG):c.217del (p.Val73fs)

Gene: FANCG (FA complementation group G; minus strand). Cytogenetic location: 9p13.3.
Variant type: Deletion.
Coding change: c.217del on transcript NM_004629.2 (MANE Select); coding-DNA position 217, one base deleted (G; older notation c.217delG).
Protein change: p.Val73fs; shifts the reading frame from valine 73.
Molecular consequence: frameshift variant.
Genome position (GRCh38, 1-based): chr9:35,078,695, C deleted on the plus strand (G on the coding strand, the reverse complement: FANCG is on the minus strand). VCF-style (leftmost placement, unchanged base first): chr9-35078694-AC-A. GRCh37 (hg19) VCF-style: chr9-35078691-AC-A.
Other names: c.217delG, p.Val73Serfs (NM_004629.1); short protein forms V73fs.
Identifiers: ClinVar variation 4815370 (VCV004815370.1).

ClinVar aggregate classification (germline): Likely pathogenic (1 of 4 stars; one submission).

Conditions:
Fanconi anemia complementation group G. Also called: FANCG-Related Fanconi Anemia; Fanconi anemia group G. Identifiers: Orphanet 84, MedGen C3469527, MONDO:0013565, OMIM 614082.

Submission:

Natera, Inc.
Classification: Likely pathogenic for Fanconi anemia group G. Last evaluated: 2024-08-16. Review status: criteria provided, single submitter. Criteria: Natera Variant Classification Schema (03/2026). Collection method: clinical testing. Allele origin: germline.
Comment: The c.217del variant in FANCG is a frameshift variant predicted to shift the reading frame beginning at codon 73 and leads to a stop codon 8 codons downstream. This variant is expected to result in nonsense mediated decay, truncation, or a dysfunctional protein product. This variant is rare in the general population with a frequency below the threshold expected for the associated phenotype(s). Given the available evidence, this variant is classified as Likely Pathogenic.